The following is an entry in ClinVar:

ClinVar aggregate classification (germline): Benign/Likely benign. Review status: criteria provided, multiple submitters, no conflicts (2 of 4 stars). 4 submissions from 4 submitters: Benign (2); Likely benign (1). 1 of the submissions does not count toward it. Last evaluated 2025-11-25.

Conditions:
RHBDF2-related disorder. Also called: RHBDF2-related condition.

Allele frequency attached by ClinVar (database versions not stated): gnomAD exomes 0.00020 and 0.00051; ExAC 0.00064; 1000 Genomes Project 30x 0.00187; 1000 Genomes Project 0.00200; gnomAD 0.00214 and 0.00229; TOPMed 0.00264; ESP Exome Variant Server 0.00315.

Submissions (4):

Labcorp Genetics (formerly Invitae), Labcorp
Classification: Benign. Last evaluated: 2025-11-25. Review status: criteria provided, single submitter. Criteria: Invitae Variant Classification Sherloc (09022015). Collection method: clinical testing. Allele origin: germline.

CeGaT Center for Human Genetics Tuebingen
Classification: Likely benign. Last evaluated: 2023-11-01. Review status: criteria provided, single submitter. Criteria: CeGaT Center For Human Genetics Tuebingen Variant Classification Criteria Version 2. Collection method: clinical testing. Allele origin: germline. Affected: yes. Observed: 1 variant allele.
Comment: RHBDF2: BS1

Breakthrough Genomics
Classification: Benign. Review status: criteria provided, single submitter. Criteria: ACMG Guidelines, 2015. Collection method: not provided. Allele origin: germline. Inheritance: Autosomal dominant inheritance. Affected: yes.

PreventionGenetics, part of Exact Sciences
Classification: Benign for RHBDF2-related condition. Last evaluated: 2019-10-28. Review status: no assertion criteria provided. Collection method: clinical testing. Allele origin: germline. Not counted in ClinVar's aggregate classification.
Comment: This variant is classified as benign based on ACMG/AMP sequence variant interpretation guidelines (Richards et al. 2015 PMID: 25741868, with internal and published modifications).

NM_001005498.4(RHBDF2):c.995C>T (p.Ala332Val)

Gene: RHBDF2 (rhomboid 5 homolog 2; minus strand). Cytogenetic location: 17q25.1.
Variant type: single nucleotide variant.
Coding change: c.995C>T on transcript NM_001005498.4 (MANE Select); coding-DNA position 995, C replaced by T.
Protein change: p.Ala332Val; replaces alanine 332 with valine.
Molecular consequence: missense variant. On other transcripts: non-coding transcript variant (3).
Genome position (GRCh38, 1-based): chr17:76,476,950, G>A on the plus strand (C>T on the coding strand, the complement: RHBDF2 is on the minus strand). VCF-style: chr17-76476950-G-A. GRCh37 (hg19) VCF-style: chr17-74473032-G-A.
Other names: c.995C>T, p.Ala332Val (NM_001376228.1, NM_001376229.1, NM_001376230.1); c.1082C>T, p.Ala361Val (NM_024599.5); short protein forms A332V, A361V.
Identifiers: ClinVar variation 1658032 (VCV001658032.32), dbSNP rs144193184, ClinGen allele CA8787152.